The following is an entry in ClinVar:

ClinVar aggregate classification (germline): Conflicting classifications of pathogenicity. Review status: criteria provided, conflicting classifications (1 of 4 stars). 6 submissions from 6 submitters: Uncertain significance (1); Benign (1); Likely benign (3). 1 of the submissions does not count toward it. Last evaluated 2026-01-31.

Conditions:
PNPO-related disorder. Also called: PNPO-related condition; PNPO-related disorders.
Pyridoxal phosphate-responsive seizures (PNPOD). Also called: Pyridoxamine 5-Prime-Phosphate Oxidase Deficiency; Pyridoxine-5'-phosphate oxidase deficiency; SEIZURES, PYRIDOXINE-RESISTANT, PLP-SENSITIVE; Pyridoxal 5'-Phosphate (PLP)-Dependent Epilepsy; EPILEPTIC ENCEPHALOPATHY, NEONATAL, PNPO-RELATED. Identifiers: Orphanet 79096, MedGen C1864723, MONDO:0012407, OMIM 610090. Disease mechanism: loss of function.

Allele frequency attached by ClinVar (database versions not stated): gnomAD exomes 0.00005 and 0.00011; ExAC 0.00016; 1000 Genomes Project 0.00020; 1000 Genomes Project 30x 0.00031; gnomAD 0.00043 and 0.00048; TOPMed 0.00059; ESP Exome Variant Server 0.00062.

Submissions (6):

Labcorp Genetics (formerly Invitae), Labcorp
Classification: Likely benign for Pyridoxal phosphate-responsive seizures. Last evaluated: 2026-01-31. Review status: criteria provided, single submitter. Criteria: Invitae Variant Classification Sherloc (09022015). Collection method: clinical testing. Allele origin: germline.

CeGaT Center for Human Genetics Tuebingen
Classification: Likely benign. Last evaluated: 2025-12-01. Review status: criteria provided, single submitter. Criteria: CeGaT Center For Human Genetics Tuebingen Variant Classification Criteria Version 2. Collection method: clinical testing. Allele origin: germline. Affected: yes. Observed: 2 variant alleles.
Comment: PNPO: BP4, BP7

Blueprint Genetics
Classification: Likely benign. Last evaluated: 2024-07-19. Review status: criteria provided, single submitter. Criteria: ACMG Guidelines, 2015. Collection method: clinical testing. Allele origin: germline.

Eurofins Ntd Llc (ga)
Classification: Uncertain significance. Last evaluated: 2014-11-13. Review status: criteria provided, single submitter. Criteria: EGL Classification Definitions 2015. Collection method: clinical testing. Allele origin: germline. Observed: 1 variant allele, 1 heterozygote.

GeneDx
Classification: Benign. Last evaluated: 2014-02-03. Review status: criteria provided, single submitter. Criteria: GeneDx Variant Classification (06012015). Collection method: clinical testing. Allele origin: germline. Affected: yes.
Comment: This variant is considered likely benign or benign based on one or more of the following criteria: it is a conservative change, it occurs at a poorly conserved position in the protein, it is predicted to be benign by multiple in silico algorithms, and/or has population frequency not consistent with disease.

PreventionGenetics, part of Exact Sciences
Classification: Likely benign for PNPO-related condition. Last evaluated: 2021-03-30. Review status: no assertion criteria provided. Collection method: clinical testing. Allele origin: germline. Not counted in ClinVar's aggregate classification.
Comment: This variant is classified as likely benign based on ACMG/AMP sequence variant interpretation guidelines (Richards et al. 2015 PMID: 25741868, with internal and published modifications).

NM_018129.4(PNPO):c.723C>G (p.Ser241=)

Gene: PNPO (pyridoxamine 5'-phosphate oxidase; plus strand). Cytogenetic location: 17q21.32.
Variant type: single nucleotide variant.
Coding change: c.723C>G on transcript NM_018129.4 (MANE Select); coding-DNA position 723, C replaced by G.
Protein change: p.Ser241=; no amino-acid change (serine 241 retained).
Molecular consequence: synonymous variant.
Genome position (GRCh38, 1-based): chr17:47,946,719, C>G. VCF-style: chr17-47946719-C-G. GRCh37 (hg19) VCF-style: chr17-46024085-C-G.
Other names: p.S241S:TCC>TCG.
Identifiers: ClinVar variation 138733 (VCV000138733.26), dbSNP rs144362146, ClinGen allele CA232557.